The following is an entry in ClinVar:

NM_024422.6(DSC2):c.*1G>A

Gene: DSC2 (desmocollin 2; minus strand). Cytogenetic location: 18q12.1.
Variant type: single nucleotide variant.
Coding change: c.*1G>A on transcript NM_024422.6 (MANE Select); 1 bases downstream of the stop codon, G replaced by A.
Molecular consequence: 3 prime UTR variant.
Genome position (GRCh38, 1-based): chr18:31,068,014, C>T on the plus strand (G>A on the coding strand, the complement: DSC2 is on the minus strand). VCF-style: chr18-31068014-C-T. GRCh37 (hg19) VCF-style: chr18-28647980-C-T.
Other names: c.*1G>A (NM_001406506.1); c.*209G>A (NM_001406507.1, NM_004949.5).
Identifiers: ClinVar variation 3074889 (VCV003074889.1), dbSNP rs2510936507, ClinGen allele CA2825002669.

ClinVar aggregate classification (germline): Uncertain significance (1 of 4 stars; one submission).

Conditions:
Familial isolated arrhythmogenic right ventricular dysplasia. Identifiers: Orphanet 217656, MedGen C4274968, MONDO:0016342.

Submission:

All of Us Research Program, National Institutes of Health
Classification: Uncertain significance for Familial isolated arrhythmogenic right ventricular dysplasia. Last evaluated: 2023-12-13. Review status: criteria provided, single submitter. Criteria: ACMG Guidelines, 2015. Collection method: clinical testing. Allele origin: germline. Inheritance: Autosomal dominant inheritance. Observed: 1 variant allele, 1 heterozygote.
Comment: This variant is located in the 3' untranslated region of the DSC2 gene. To our knowledge, functional studies have not been reported for this variant. This variant has not been reported in individuals affected with cardiovascular disorders in the literature. This variant has not been identified in the general population by the Genome Aggregation Database (gnomAD). The available evidence is insufficient to determine the role of this variant in disease conclusively. Therefore, this variant is classified as a Variant of Uncertain Significance.

This study involves interpretation of variants in research participants for the purpose of population health screening. Participant phenotype was not available at the time of variant classification. Additional details can be found in publication PMID: 35346344, PMCID: PMC8962531